The following is an entry in ClinVar:

ClinVar aggregate classification (germline): Uncertain significance. Review status: criteria provided, multiple submitters, no conflicts (2 of 4 stars). 3 submissions from 3 submitters: Uncertain significance (3). Last evaluated 2026-01-19.

Conditions:
Inborn genetic diseases. Identifiers: MedGen C0950123, MeSH D030342.

Allele frequency attached by ClinVar (database versions not stated): gnomAD exomes below 0.00001; ExAC 0.00003; gnomAD 0.00004; TOPMed 0.00007; ESP Exome Variant Server 0.00008.
gnomAD v4.1: 12 of 1,604,392 alleles (0.00075%); highest among the groups gnomAD compares: African/African-American, 0.015%; no homozygotes.

Submissions (3):

Labcorp Genetics (formerly Invitae), Labcorp
Classification: Uncertain significance. Last evaluated: 2026-01-19. Review status: criteria provided, single submitter. Criteria: Invitae Variant Classification Sherloc (09022015). Collection method: clinical testing. Allele origin: germline.
Comment: This sequence change replaces asparagine, which is neutral and polar, with aspartic acid, which is acidic and polar, at codon 846 of the LARS2 protein (p.Asn846Asp). This variant is present in population databases (rs372207839, gnomAD 0.02%). This variant has not been reported in the literature in individuals affected with LARS2-related conditions. ClinVar contains an entry for this variant (Variation ID: 1705004). Invitae Evidence Modeling of protein sequence and biophysical properties (such as structural, functional, and spatial information, amino acid conservation, physicochemical variation, residue mobility, and thermodynamic stability) indicates that this missense variant is not expected to disrupt LARS2 protein function with a negative predictive value of 80%. In summary, the available evidence is currently insufficient to determine the role of this variant in disease. Therefore, it has been classified as a Variant of Uncertain Significance.

GeneDx
Classification: Uncertain significance. Last evaluated: 2025-07-08. Review status: criteria provided, single submitter. Criteria: GeneDx Variant Classification Process June 2021. Collection method: clinical testing. Allele origin: germline. Affected: yes.
Comment: In silico analysis supports that this missense variant has a deleterious effect on protein structure/function; Has not been previously published as pathogenic or benign to our knowledge

Ambry Genetics
Classification: Uncertain significance for Inborn genetic diseases. Last evaluated: 2021-08-09. Review status: criteria provided, single submitter. Criteria: Ambry Variant Classification Scheme 2023. Collection method: clinical testing. Allele origin: germline.

NM_015340.4(LARS2):c.2536A>G (p.Asn846Asp)

Gene: LARS2 (leucyl-tRNA synthetase 2, mitochondrial; plus strand). Cytogenetic location: 3p21.31.
Variant type: single nucleotide variant.
Coding change: c.2536A>G on transcript NM_015340.4 (MANE Select); coding-DNA position 2536, A replaced by G.
Protein change: p.Asn846Asp; replaces asparagine 846 with aspartic acid.
Molecular consequence: missense variant.
Genome position (GRCh38, 1-based): chr3:45,547,354, A>G. VCF-style: chr3-45547354-A-G. GRCh37 (hg19) VCF-style: chr3-45588846-A-G.
Other names: c.2536A>G, p.Asn846Asp (NM_001368263.1); short protein forms N846D.
Identifiers: ClinVar variation 1705004 (VCV001705004.10), dbSNP rs372207839, ClinGen allele CA2349935.